The following is an entry in ClinVar:

NM_012210.4(TRIM32):c.749A>G (p.Asp250Gly)

Genes: ASTN2 (astrotactin 2; minus strand), TRIM32 (tripartite motif containing 32; plus strand). Cytogenetic location: 9q33.1.
Variant type: single nucleotide variant.
Coding change: c.749A>G on transcript NM_012210.4 (MANE Select); coding-DNA position 749, A replaced by G.
Protein change: p.Asp250Gly; replaces aspartic acid 250 with glycine.
Molecular consequence: missense variant. On other transcripts: intron variant (3).
Genome position (GRCh38, 1-based): chr9:116,698,491, A>G. VCF-style: chr9-116698491-A-G. GRCh37 (hg19) VCF-style: chr9-119460770-A-G.
Other names: c.749A>G, p.Asp250Gly (NM_001099679.2, NM_001379048.1, NM_001379049.1 and 1 more transcripts); c.2653+27280T>C (NM_014010.5); c.2794+27280T>C (NM_001365069.1); c.2806+27280T>C (NM_001365068.1); short protein forms D250G.
Identifiers: ClinVar variation 3596362 (VCV003596362.2).

ClinVar aggregate classification (germline): Uncertain significance. Review status: criteria provided, multiple submitters, no conflicts (2 of 4 stars). 2 submissions from 2 submitters: Uncertain significance (2). Last evaluated 2026-05-14.

Conditions:
Sarcotubular myopathy (LGMDR8). Also called: Hutterite type of muscular dystrophy; Autosomal recessive limb-girdle muscular dystrophy type 2H; Limb-girdle muscular dystrophy, type 2H; MUSCULAR DYSTROPHY, LIMB-GIRDLE, AUTOSOMAL RECESSIVE 8. Identifiers: Orphanet 1878, MedGen C0270968, MONDO:0009683, OMIM 254110.
Bardet-Biedl syndrome 11 (BBS11). Identifiers: Orphanet 110, MedGen C1859569, MONDO:0014439, OMIM 615988.
TRIM32-related disorder. Also called: TRIM32-related condition.

Submissions (2):

PreventionGenetics, part of Exact Sciences
Classification: Uncertain significance for TRIM32-related condition. Last evaluated: 2026-05-14. Review status: criteria provided, single submitter. Criteria: ACMG Guidelines, 2015. Collection method: clinical testing. Allele origin: germline.
Comment: The TRIM32 c.749A>G variant is predicted to result in the amino acid substitution p.Asp250Gly. To our knowledge, this variant has not been reported in the literature or in a large population database (gnomAD), indicating this variant is rare. At this time, the clinical significance of this variant is uncertain due to the absence of conclusive functional and genetic evidence.

Fulgent Genetics
Classification: Uncertain significance for Sarcotubular myopathy; Bardet-Biedl syndrome 11. Last evaluated: 2024-01-09. Review status: criteria provided, single submitter. Criteria: ACMG Guidelines, 2015. Collection method: clinical testing. Allele origin: germline.